The following is an entry in ClinVar:

NM_001379180.1(ESRRB):c.1011dup (p.Leu338fs)

Gene: ESRRB (estrogen related receptor beta; plus strand). Cytogenetic location: 14q24.3.
Variant type: Duplication.
Coding change: c.1011dup on transcript NM_001379180.1 (MANE Select); coding-DNA position 1011, one base duplicated (G; older notation c.1011dupG).
Protein change: p.Leu338fs; shifts the reading frame from leucine 338.
Molecular consequence: frameshift variant.
Genome position (GRCh38, 1-based): chr14:76,491,607, G duplicated; the last of 4 consecutive G bases (chr14:76,491,604-76,491,607); duplicating any one gives the same sequence. VCF-style (leftmost placement, unchanged base first): chr14-76491603-C-CG. GRCh37 (hg19) VCF-style: chr14-76957946-C-CG.
Other names: NM_004452.3:c.948dupG; p.Leu317AlafsX68; c.948dup, p.Leu317fs (NM_004452.4); c.948_949insG (NM_004452.3); short protein forms L317fs, L338fs.
Identifiers: ClinVar variation 505350 (VCV000505350.4), dbSNP rs1555344820, ClinGen allele CA658798235.

ClinVar aggregate classification (germline): Likely pathogenic (1 of 4 stars; one submission).

Conditions:
Rare genetic deafness. Identifiers: Orphanet 96210, MedGen C5680250.

Submission:

Laboratory for Molecular Medicine, Mass General Brigham Personalized Medicine
Classification: Likely pathogenic for Rare genetic deafness. Last evaluated: 2016-11-18. Review status: criteria provided, single submitter. Criteria: LMM Criteria. Collection method: clinical testing. Allele origin: germline. Inheritance: Autosomal recessive inheritance. Observed: 1 variant allele.
Comment: The p.Leu317fs variant in ESRRB has not been previously reported in individuals with hearing loss or large population studies. This frameshift variant is predic ted to alter the protein?s amino acid sequence beginning at position 317 and lea d to a premature termination codon 68 amino acids downstream. This alteration is then predicted to lead to a truncated or absent protein. Truncating variants in ESRRB have been associated with autosomal recessive sensorineural hearing loss; however, the exact mechanism of disease has not yet been established. In summar y, although additional studies are required to fully establish its clinical sign ificance, the p.Leu317fs variant is likely pathogenic for autosomal recessive he aring loss.

Literature cited by the submitters: PubMed 26226137; PubMed 18179891.